The following is an entry in ClinVar:

NM_199420.4(POLQ):c.363G>C (p.Lys121Asn)

Gene: POLQ (DNA polymerase theta; minus strand). Cytogenetic location: 3q13.33.
Variant type: single nucleotide variant.
Coding change: c.363G>C on transcript NM_199420.4 (MANE Select); coding-DNA position 363, G replaced by C.
Protein change: p.Lys121Asn; replaces lysine 121 with asparagine.
Molecular consequence: missense variant.
Genome position (GRCh38, 1-based): chr3:121,541,460, C>G on the plus strand (G>C on the coding strand, the complement: POLQ is on the minus strand). VCF-style: chr3-121541460-C-G. GRCh37 (hg19) VCF-style: chr3-121260307-C-G.
Other names: short protein forms K121N.
Identifiers: ClinVar variation 3229953 (VCV003229953.1), dbSNP rs2546825940, ClinGen allele CA354093445.

ClinVar aggregate classification (germline): Uncertain significance (1 of 4 stars; one submission).

Submission:

Ambry Genetics
Classification: Uncertain significance. Last evaluated: 2023-12-11. Review status: criteria provided, single submitter. Criteria: Ambry Variant Classification Scheme 2023. Collection method: clinical testing. Allele origin: germline.
Comment: The p.K121N variant (also known as c.363G>C), located in coding exon 3 of the POLQ gene, results from a G to C substitution at nucleotide position 363. The lysine at codon 121 is replaced by asparagine, an amino acid with similar properties. This amino acid position is conserved. In addition, the in silico prediction for this alteration is inconclusive. Since supporting evidence is limited at this time, the clinical significance of this alteration remains unclear.